The following is an entry in ClinVar:

NM_001793.6(CDH3):c.214G>A (p.Asp72Asn)

Gene: CDH3 (cadherin 3; plus strand). Cytogenetic location: 16q22.1.
Variant type: single nucleotide variant.
Coding change: c.214G>A on transcript NM_001793.6 (MANE Select); coding-DNA position 214, G replaced by A.
Protein change: p.Asp72Asn; replaces aspartic acid 72 with asparagine.
Molecular consequence: missense variant.
Genome position (GRCh38, 1-based): chr16:68,676,438, G>A. VCF-style: chr16-68676438-G-A. GRCh37 (hg19) VCF-style: chr16-68710341-G-A.
Other names: c.214G>A, p.Asp72Asn (NM_001317195.3); c.49G>A, p.Asp17Asn (NM_001317196.2); short protein forms D72N, D17N.
Identifiers: ClinVar variation 1387105 (VCV001387105.5), dbSNP rs538255856, ClinGen allele CA8128951.

ClinVar aggregate classification (germline): Uncertain significance (1 of 4 stars; one submission).

Allele frequency attached by ClinVar (database versions not stated): ExAC 0.00001; gnomAD 0.00001 and 0.00002; gnomAD exomes 0.00002; TOPMed 0.00002; 1000 Genomes Project 0.00020; 1000 Genomes Project 30x 0.00031.
gnomAD v4.1: 39 of 1,613,962 alleles (0.0024%); highest among the groups gnomAD compares: Middle Eastern, 0.016%; no homozygotes.

Submission:

Labcorp Genetics (formerly Invitae), Labcorp
Classification: Uncertain significance. Last evaluated: 2024-11-11. Review status: criteria provided, single submitter. Criteria: Invitae Variant Classification Sherloc (09022015). Collection method: clinical testing. Allele origin: germline.
Comment: This sequence change replaces aspartic acid, which is acidic and polar, with asparagine, which is neutral and polar, at codon 72 of the CDH3 protein (p.Asp72Asn). This variant is present in population databases (rs538255856, gnomAD 0.01%). This variant has not been reported in the literature in individuals affected with CDH3-related conditions. ClinVar contains an entry for this variant (Variation ID: 1387105). An algorithm developed to predict the effect of missense changes on protein structure and function outputs the following: PolyPhen-2: "Benign". The asparagine amino acid residue is found in multiple mammalian species, which suggests that this missense change does not adversely affect protein function. In summary, the available evidence is currently insufficient to determine the role of this variant in disease. Therefore, it has been classified as a Variant of Uncertain Significance.